The following is an entry in ClinVar:

NM_001042492.3(NF1):c.5060_5069delinsTGTA (p.Arg1687_Thr1690delinsMetTyr)

Gene: NF1 (neurofibromin 1; plus strand). Cytogenetic location: 17q11.2.
Variant type: Indel.
Coding change: c.5060_5069delinsTGTA on transcript NM_001042492.3 (MANE Select); coding-DNA positions 5060 to 5069, GGGAGTACAC replaced by TGTA.
Protein change: p.Arg1687_Thr1690delinsMetTyr.
Molecular consequence: inframe indel.
Genome position (GRCh38, 1-based): chr17:31,326,044-31,326,053, GGGAGTACAC replaced by TGTA. VCF-style: chr17-31326044-GGGAGTACAC-TGTA. GRCh37 (hg19) VCF-style: chr17-29653062-GGGAGTACAC-TGTA.
Other names: c.4997_5006del10insTGTA (NM_000267.3); c.4997_5006delGGGAGTACACinsTGTA, p.Arg1666_Thr1669delinsMetTyr (NM_000267.4).
Identifiers: ClinVar variation 1744620 (VCV001744620.2), dbSNP rs2508696625, ClinGen allele CA2580093013.

ClinVar aggregate classification (germline): Uncertain significance (1 of 4 stars; one submission).

Conditions:
Cardiovascular phenotype. Identifiers: MedGen CN230736.
Hereditary cancer-predisposing syndrome. Also called: Hereditary Cancer Syndrome; Neoplastic Syndromes, Hereditary; Tumor predisposition; Hereditary neoplastic syndrome. Identifiers: Orphanet 140162, MedGen C0027672, MeSH D009386, MONDO:0015356.

Submission:

Ambry Genetics
Classification: Uncertain significance for Cardiovascular phenotype; Hereditary cancer-predisposing syndrome. Last evaluated: 2018-10-16. Review status: criteria provided, single submitter. Criteria: Ambry Variant Classification Scheme 2023. Collection method: clinical testing. Allele origin: germline.
Comment: The c.4997_5006del10insTGTA variant (also known as p.R1666_T1669delinsMY), located in coding exon 36 of the NF1 gene, results from an in-frame deletion of 10 nucleotides and insertion of TGTA at nucleotide positions 4997 to 5006. This results in the substitution of arginine, glutamic acid, tyrosine, and threonine residues for methionine and tyrosine residues between codons 1666 to 1669. These amino acid positions are highly conserved in available vertebrate species. Since supporting evidence is limited at this time, the clinical significance of this alteration remains unclear.